The following is an entry in ClinVar:

NM_000701.8(ATP1A1):c.521A>G (p.Asn174Ser)

Gene: ATP1A1 (ATPase Na+/K+ transporting subunit alpha 1; plus strand). Cytogenetic location: 1p13.1.
Variant type: single nucleotide variant.
Coding change: c.521A>G on transcript NM_000701.8 (MANE Select); coding-DNA position 521, A replaced by G.
Protein change: p.Asn174Ser; replaces asparagine 174 with serine.
Molecular consequence: missense variant.
Genome position (GRCh38, 1-based): chr1:116,388,657, A>G. VCF-style: chr1-116388657-A-G. GRCh37 (hg19) VCF-style: chr1-116931279-A-G.
Other names: c.521A>G, p.Asn174Ser (NM_001160233.2); c.428A>G, p.Asn143Ser (NM_001160234.2); short protein forms N143S, N174S.
Identifiers: ClinVar variation 3682722 (VCV003682722.2).

ClinVar aggregate classification (germline): Uncertain significance (1 of 4 stars; one submission).

Submission:

Labcorp Genetics (formerly Invitae), Labcorp
Classification: Uncertain significance. Last evaluated: 2024-06-08. Review status: criteria provided, single submitter. Criteria: Invitae Variant Classification Sherloc (09022015). Collection method: clinical testing. Allele origin: germline.
Comment: This sequence change replaces asparagine, which is neutral and polar, with serine, which is neutral and polar, at codon 174 of the ATP1A1 protein (p.Asn174Ser). This variant is not present in population databases (gnomAD no frequency). This variant has not been reported in the literature in individuals affected with ATP1A1-related conditions. Advanced modeling of protein sequence and biophysical properties (such as structural, functional, and spatial information, amino acid conservation, physicochemical variation, residue mobility, and thermodynamic stability) performed at Invitae indicates that this missense variant is not expected to disrupt ATP1A1 protein function with a negative predictive value of 80%. In summary, the available evidence is currently insufficient to determine the role of this variant in disease. Therefore, it has been classified as a Variant of Uncertain Significance.